The following is an entry in ClinVar:

NM_000390.4(CHM):c.1343A>G (p.Gln448Arg)

Gene: CHM (CHM Rab escort protein; minus strand). Cytogenetic location: Xq21.2.
Variant type: single nucleotide variant.
Coding change: c.1343A>G on transcript NM_000390.4 (MANE Select); coding-DNA position 1343, A replaced by G.
Protein change: p.Gln448Arg; replaces glutamine 448 with arginine.
Molecular consequence: missense variant.
Genome position (GRCh38, 1-based): chrX:85,901,090, T>C on the plus strand (A>G on the coding strand, the complement: CHM is on the minus strand). VCF-style: chrX-85901090-T-C. GRCh37 (hg19) VCF-style: chrX-85156095-T-C.
Other names: c.899A>G, p.Gln300Arg (NM_001320959.1, NM_001362517.1, NM_001362518.2 and 1 more transcripts); short protein forms Q448R, Q300R.
Identifiers: ClinVar variation 1968675 (VCV001968675.5), dbSNP rs1215519356, ClinGen allele CA413789551.

ClinVar aggregate classification (germline): Uncertain significance (1 of 4 stars; one submission).

Submission:

Labcorp Genetics (formerly Invitae), Labcorp
Classification: Uncertain significance. Last evaluated: 2022-11-01. Review status: criteria provided, single submitter. Criteria: Invitae Variant Classification Sherloc (09022015). Collection method: clinical testing. Allele origin: germline.
Comment: In summary, the available evidence is currently insufficient to determine the role of this variant in disease. Therefore, it has been classified as a Variant of Uncertain Significance. Advanced modeling of protein sequence and biophysical properties (such as structural, functional, and spatial information, amino acid conservation, physicochemical variation, residue mobility, and thermodynamic stability) performed at Invitae indicates that this missense variant is not expected to disrupt CHM protein function. This variant has not been reported in the literature in individuals affected with CHM-related conditions. This variant is not present in population databases (gnomAD no frequency). This sequence change replaces glutamine, which is neutral and polar, with arginine, which is basic and polar, at codon 448 of the CHM protein (p.Gln448Arg).